The following is an entry in ClinVar:

ClinVar aggregate classification (germline): Likely pathogenic. Review status: criteria provided, multiple submitters, no conflicts (2 of 4 stars). 2 submissions from 2 submitters: Likely pathogenic (2). Last evaluated 2023-03-03.
ClinVar aggregate classification (oncogenicity): Uncertain significance (1 of 4 stars; one submission).

Conditions:
SOX9-related disorder. Also called: SOX9-related condition.
Neoplasm. Also called: tumor; Neoplasms; Neoplasm (disease). Identifiers: MedGen C0027651, MeSH D009369, MONDO:0005070, HP:0002664.

Submissions (3):

Center for Genomic Medicine, Rigshospitalet, Copenhagen University Hospital
Classification: Uncertain significance for Neoplasm. Last evaluated: 2025-12-29. Review status: criteria provided, single submitter. Criteria: ClinGen/CGC/VICC Guidelines for Oncogenicity, 2022. Collection method: clinical testing. Allele origin: somatic. Affected: yes.

Blueprint Genetics
Classification: Likely pathogenic for SOX9-related disorders. Last evaluated: 2023-03-03. Review status: criteria provided, single submitter. Criteria: ACMG Guidelines, 2015. Collection method: clinical testing. Allele origin: germline. Affected: yes. Observed: 1 variant allele.

GeneDx
Classification: Likely pathogenic. Last evaluated: 2016-06-07. Review status: criteria provided, single submitter. Criteria: GeneDx Variant Classification (06012015). Collection method: clinical testing. Allele origin: germline. Affected: yes.
Comment: The P176S variant in the SOX9 gene has not been reported previously as a pathogenic variant, nor as a benign variant, to our knowledge. The P176S variant was not observed in approximately 6,500 individuals of European and African American ancestry in the NHLBI Exome Sequencing Project, indicating it is not a common benign variant in these populations. The P176S variant is a non-conservative amino acid substitution, which is likely to impact secondary protein structure as these residues differ in polarity, charge, size and/or other properties. This substitution occurs at a position that is conserved across species. In silico analysis predicts this variant is probably damaging to the protein structure/function. Missense variants both at the same residue (P176L) and nearby residues (K173E and R178L) have been reported in association with acampomelic campomelic dysplasia and campomelic dysplasia (Michel-Calemard et al., 2004; Stenson et al., 2014), supporting the functional importance of this region of the protein. The P176S variant is a strong candidate for a pathogenic variant, however the possibility it may be a rare benign variant cannot be excluded.

NM_000346.4(SOX9):c.526C>T (p.Pro176Ser)

Gene: SOX9 (SRY-box transcription factor 9; plus strand). Cytogenetic location: 17q24.3.
Variant type: single nucleotide variant.
Coding change: c.526C>T on transcript NM_000346.4 (MANE Select); coding-DNA position 526, C replaced by T.
Protein change: p.Pro176Ser; replaces proline 176 with serine.
Molecular consequence: missense variant.
Genome position (GRCh38, 1-based): chr17:72,122,813, C>T. VCF-style: chr17-72122813-C-T. GRCh37 (hg19) VCF-style: chr17-70118954-C-T.
Other names: short protein forms P176S.
Identifiers: ClinVar variation 432189 (VCV000432189.4), dbSNP rs1555629169, ClinGen allele CA400866494.